The following is an entry in ClinVar:

ClinVar aggregate classification (germline): Likely benign (1 of 4 stars; one submission).

gnomAD v4.1: 2 of 1,561,388 alleles (0.00013%); highest among the groups gnomAD compares: Middle Eastern, 0.017%; no homozygotes.

Submission:

CeGaT Center for Human Genetics Tuebingen
Classification: Likely benign. Last evaluated: 2022-04-01. Review status: criteria provided, single submitter. Criteria: CeGaT Center For Human Genetics Tuebingen Variant Classification Criteria Version 2. Collection method: clinical testing. Allele origin: germline. Affected: yes. Observed: 1 variant allele.
Comment: CACNA1A: PM2:Supporting, BP4, BP7

NM_001127222.2(CACNA1A):c.7491C>T (p.Pro2497=)

Gene: CACNA1A (calcium voltage-gated channel subunit alpha1 A; minus strand). Cytogenetic location: 19p13.13.
Variant type: single nucleotide variant.
Coding change: c.7491C>T on transcript NM_001127222.2 (MANE Select); coding-DNA position 7491, C replaced by T.
Protein change: p.Pro2497=; no amino-acid change (proline 2497 retained).
Molecular consequence: synonymous variant. On other transcripts: 3 prime UTR variant (3).
Genome position (GRCh38, 1-based): chr19:13,207,343, G>A on the plus strand (C>T on the coding strand, the complement: CACNA1A is on the minus strand). VCF-style: chr19-13207343-G-A. GRCh37 (hg19) VCF-style: chr19-13318157-G-A.
Other names: c.*703C>T (NM_000068.4, NM_001127221.2, NM_001174080.2); c.7509C>T, p.Pro2503= (NM_023035.3).
Identifiers: ClinVar variation 1694890 (VCV001694890.31), dbSNP rs1368524598, ClinGen allele CA505658933.
Genomic context (GRCh38, chr19:13,207,343, plus strand): 5'-GGGGCCGGGCGGGCGCCACCTCGCCCGGGCTTAGCACCAATCATCGTCACTCTCGCTGTA[G>A]GGTTCGTGCAGGCCCTTCCTGGAGCCCGGCCCGCGGGGCCTGGCCAGTCCGTGCGCCGGG-3'
Protein context (NP_001120694.1, residues 2487-2506): GPGSRKGLHE[Pro2497=]YSESDDDWC